The following is an entry in ClinVar:

ClinVar aggregate classification (germline): Uncertain significance. Review status: criteria provided, multiple submitters, no conflicts (2 of 4 stars). 3 submissions from 3 submitters: Uncertain significance (3). Last evaluated 2026-01-04.

Conditions:
Congenital myasthenic syndrome 2A. Also called: Myasthenic syndrome, congenital, 2a, slow-channel. Identifiers: Orphanet 590, MedGen C4225374, MONDO:0014581, OMIM 616313.
Congenital myasthenic syndrome 4C (CMS4C). Also called: Myasthenic syndrome, congenital, associated with acetylcholine receptor deficiency. Identifiers: Orphanet 590, MedGen C1837091, MONDO:0012157, OMIM 608931.

Allele frequency attached by ClinVar (database versions not stated): ExAC 0.00003; gnomAD exomes 0.00003.

Submissions (3):

Labcorp Genetics (formerly Invitae), Labcorp
Classification: Uncertain significance for Congenital myasthenic syndrome 2A. Last evaluated: 2026-01-04. Review status: criteria provided, single submitter. Criteria: Invitae Variant Classification Sherloc (09022015). Collection method: clinical testing. Allele origin: germline.
Comment: This sequence change replaces leucine, which is neutral and non-polar, with arginine, which is basic and polar, at codon 332 of the CHRNB1 protein (p.Leu332Arg). This variant is present in population databases (rs749634279, gnomAD 0.006%). This variant has not been reported in the literature in individuals affected with CHRNB1-related conditions. ClinVar contains an entry for this variant (Variation ID: 325102). Invitae Evidence Modeling of protein sequence and biophysical properties (such as structural, functional, and spatial information, amino acid conservation, physicochemical variation, residue mobility, and thermodynamic stability) indicates that this missense variant is not expected to disrupt CHRNB1 protein function with a negative predictive value of 80%. In summary, the available evidence is currently insufficient to determine the role of this variant in disease. Therefore, it has been classified as a Variant of Uncertain Significance.

CeGaT Center for Human Genetics Tuebingen
Classification: Uncertain significance. Last evaluated: 2022-07-01. Review status: criteria provided, single submitter. Criteria: CeGaT Center For Human Genetics Tuebingen Variant Classification Criteria Version 2. Collection method: clinical testing. Allele origin: germline. Affected: yes. Observed: 1 variant allele.
Comment: CHRNB1: PP3

Illumina Laboratory Services, Illumina
Classification: Uncertain significance for Congenital myasthenic syndrome 4C. Last evaluated: 2018-01-13. Review status: criteria provided, single submitter. Criteria: ICSL Variant Classification Criteria 13 December 2019. Collection method: clinical testing. Allele origin: germline.

NM_000747.3(CHRNB1):c.995T>G (p.Leu332Arg)

Gene: CHRNB1 (cholinergic receptor nicotinic beta 1 subunit; plus strand). Cytogenetic location: 17p13.1.
Variant type: single nucleotide variant.
Coding change: c.995T>G on transcript NM_000747.3 (MANE Select); coding-DNA position 995, T replaced by G.
Protein change: p.Leu332Arg; replaces leucine 332 with arginine.
Molecular consequence: missense variant.
Genome position (GRCh38, 1-based): chr17:7,454,471, T>G. VCF-style: chr17-7454471-T-G. GRCh37 (hg19) VCF-style: chr17-7357790-T-G.
Other names: short protein forms L332R.
Identifiers: ClinVar variation 325102 (VCV000325102.37), dbSNP rs749634279, ClinGen allele CA8347930.
Genomic context (GRCh38, chr17:7,454,471, plus strand): 5'-TCATGTTTACCATGGTCCTCGTCACCTTCTCAGTCATCCTTAGTGTCGTGGTTCTCAACC[T>G]GCACCACCGCTCACCCCACACCCACCAAATGCCCCTTTGGGTCCGTCAGGTAAGAAAGAT-3'
Protein context (NP_000738.2, residues 322-342): SVILSVVVLN[Leu332Arg]HHRSPHTHQM